The following is an entry in ClinVar:

NM_000222.3(KIT):c.1665_1672delinsCC (p.Trp557_Lys558del)

Gene: KIT (KIT proto-oncogene, receptor tyrosine kinase; plus strand). Cytogenetic location: 4q12.
Variant type: Indel.
Coding change: c.1665_1672delinsCC on transcript NM_000222.3 (MANE Select); coding-DNA positions 1665 to 1672, ACAGTGGA replaced by CC.
Protein change: p.Trp557_Lys558del.
Molecular consequence: inframe deletion.
Genome position (GRCh38, 1-based): chr4:54,727,433-54,727,440, ACAGTGGA replaced by CC. VCF-style: chr4-54727433-ACAGTGGA-CC. GRCh37 (hg19) VCF-style: chr4-55593599-ACAGTGGA-CC.
Other names: c.1653_1660delinsCC, p.Trp553_Lys554del (NM_001093772.2, NM_001385286.1); c.1668_1675delinsCC, p.Trp558_Lys559del (NM_001385284.1, NM_001385290.1); c.1665_1672delinsCC, p.Trp557_Lys558del (NM_001385285.1); c.1656_1663delinsCC, p.Trp554_Lys555del (NM_001385288.1, NM_001385292.1).
Identifiers: ClinVar variation 627639 (VCV000627639.3), dbSNP rs1560417427, ClinGen allele CA913189821.

ClinVar aggregate classification (germline): Likely pathogenic (1 of 4 stars; one submission).
ClinVar aggregate classification (oncogenicity): Likely oncogenic (0 of 4 stars; one submission).

Conditions:
Gastrointestinal stromal tumor. Also called: Gastrointestinal stromal tumor, somatic; Gastrointestinal stroma tumor. Identifiers: Orphanet 44890, MedGen C0238198, MeSH D046152, MONDO:0011719, OMIM 606764, HP:0100723.

Submissions (2):

Department of Molecular Diagnostics, Institute of Oncology Ljubljana
Classification: Likely pathogenic for Gastrointestinal stromal tumor. Last evaluated: 2019-05-15. Review status: criteria provided, single submitter. Criteria: ACMG Guidelines, 2015. Collection method: clinical testing. Allele origin: somatic. Affected: yes.

National Institute of Cancer Research, National Health Research Institutes
Classification: Likely oncogenic for Gastrointestinal stromal tumor. Review status: no assertion criteria provided. Collection method: research. Allele origin: somatic. Affected: yes. Observed: 4 variant alleles.
Comment: clinical data